The following is an entry in ClinVar:

NM_000020.3(ACVRL1):c.*949C>T

Gene: ACVRL1 (activin A receptor like type 1; plus strand). Cytogenetic location: 12q13.13.
Variant type: single nucleotide variant.
Coding change: c.*949C>T on transcript NM_000020.3 (MANE Select); 949 bases downstream of the stop codon, C replaced by T.
Molecular consequence: 3 prime UTR variant.
Genome position (GRCh38, 1-based): chr12:51,921,842, C>T. VCF-style: chr12-51921842-C-T. GRCh37 (hg19) VCF-style: chr12-52315626-C-T.
Other names: c.*949C>T (NM_001077401.2).
Identifiers: ClinVar variation 309461 (VCV000309461.5), dbSNP rs810052, ClinGen allele CA10641811.

ClinVar aggregate classification (germline): Benign (1 of 4 stars; one submission).

Conditions:
Telangiectasia, hereditary hemorrhagic, type 2 (HHT2). Also called: ACVRL1-Related Hereditary Hemorrhagic Telangiectasia; Telangiectasia, hereditary hemorrhagic, type II. Identifiers: Orphanet 774, MedGen C1838163, MONDO:0010880, OMIM 600376. Disease mechanism: loss of function.

Allele frequency attached by ClinVar (database versions not stated): gnomAD 0.04929 and 0.05244; TOPMed 0.05478; 1000 Genomes Project 0.05491; 1000 Genomes Project 30x 0.05840.

Submission:

Illumina Laboratory Services, Illumina
Classification: Benign for Telangiectasia, hereditary hemorrhagic, type 2. Last evaluated: 2018-01-12. Review status: criteria provided, single submitter. Criteria: ICSL Variant Classification Criteria 13 December 2019. Collection method: clinical testing. Allele origin: germline.
Comment: This variant was observed in the ICSL laboratory as part of a predisposition screen in an ostensibly healthy population. It had not been previously curated by ICSL or reported in the Human Gene Mutation Database (HGMD: prior to June 1st, 2018), and was therefore a candidate for classification through an automated scoring system. Utilizing variant allele frequency, disease prevalence and penetrance estimates, and inheritance mode, an automated score was calculated to assess if this variant is too frequent to cause the disease. Based on the score and internal cut-off values, a variant classified as benign is not then subjected to further curation. The score for this variant resulted in a classification of benign for this disease.